The following is an entry in ClinVar:

ClinVar aggregate classification (germline): Pathogenic. Review status: criteria provided, multiple submitters, no conflicts (2 of 4 stars). 2 submissions from 2 submitters: Pathogenic (2). Last evaluated 2023-11-20.

Conditions:
Developmental and epileptic encephalopathy, 27 (DEE27). Also called: GRIN2B-Related Neurodevelopmental Disorder; Epileptic encephalopathy, early infantile, 27. Identifiers: Orphanet 3451, MedGen C4015316, MONDO:0014505, OMIM 616139.
Intellectual developmental disorder, autosomal dominant 6, with or without seizures. Also called: Intellectual disability, autosomal dominant 6; GRIN2B-related developmental delay, intellectual disability and autism spectrum disorder. Identifiers: Orphanet 589547, MedGen C3151411, MONDO:0013509, OMIM 613970.

Submissions (2):

GeneDx
Classification: Pathogenic. Last evaluated: 2023-11-20. Review status: criteria provided, single submitter. Criteria: GeneDx Variant Classification Process June 2021. Collection method: clinical testing. Allele origin: germline. Affected: yes.
Comment: In silico analysis supports that this missense variant has a deleterious effect on protein structure/function; Not observed at significant frequency in large population cohorts (gnomAD); Has not been previously published as pathogenic or benign to our knowledge; This variant is associated with the following publications: (PMID: 28377535)

Labcorp Genetics (formerly Invitae), Labcorp
Classification: Pathogenic for Developmental and epileptic encephalopathy, 27; Intellectual developmental disorder, autosomal dominant 6, with or without seizures. Last evaluated: 2022-06-22. Review status: criteria provided, single submitter. Criteria: Invitae Variant Classification Sherloc (09022015). Collection method: clinical testing. Allele origin: germline.
Comment: For these reasons, this variant has been classified as Pathogenic. Advanced modeling of protein sequence and biophysical properties (such as structural, functional, and spatial information, amino acid conservation, physicochemical variation, residue mobility, and thermodynamic stability) performed at Invitae indicates that this missense variant is expected to disrupt GRIN2B protein function. This missense change has been observed in individual(s) with clinical features of GRIN2B-related conditions (PMID: 28377535). In at least one individual the variant was observed to be de novo. This variant is not present in population databases (gnomAD no frequency). This sequence change replaces serine, which is neutral and polar, with arginine, which is basic and polar, at codon 541 of the GRIN2B protein (p.Ser541Arg).

Literature cited by the submitters: PubMed 28377535 (cited by Labcorp Genetics (formerly Invitae), Labcorp).

NM_000834.5(GRIN2B):c.1623C>A (p.Ser541Arg)

Gene: GRIN2B (glutamate ionotropic receptor NMDA type subunit 2B; minus strand). Cytogenetic location: 12p13.1.
Variant type: single nucleotide variant.
Coding change: c.1623C>A on transcript NM_000834.5 (MANE Select); coding-DNA position 1623, C replaced by A.
Protein change: p.Ser541Arg; replaces serine 541 with arginine.
Molecular consequence: missense variant.
Genome position (GRCh38, 1-based): chr12:13,615,145, G>T on the plus strand (C>A on the coding strand, the complement: GRIN2B is on the minus strand). VCF-style: chr12-13615145-G-T. GRCh37 (hg19) VCF-style: chr12-13768079-G-T.
Other names: c.1623C>A (NM_000834.3); c.1623C>A, p.Ser541Arg (NM_001413992.1); short protein forms S541R.
Identifiers: ClinVar variation 2118872 (VCV002118872.5), dbSNP rs1949419853, ClinGen allele CA384051735.